The following is an entry in ClinVar:

NM_000169.3(GLA):c.361_364del (p.Ala121fs)

Genes: GLA (galactosidase alpha; minus strand), RPL36A-HNRNPH2 (RPL36A-HNRNPH2 readthrough; plus strand). Cytogenetic location: Xq22.1.
Variant type: Microsatellite.
Coding change: c.361_364del on transcript NM_000169.3 (MANE Select); coding-DNA positions 361 to 364, 4 bases deleted (GCTA; older notation c.361_364delGCTA).
Protein change: p.Ala121fs; shifts the reading frame from alanine 121.
Molecular consequence: frameshift variant. On other transcripts: non-coding transcript variant (3), intron variant (2).
Genome position (GRCh38, 1-based): chrX:101,403,816-101,403,819, TAGC deleted on the plus strand (GCTA on the coding strand, the reverse complement: GLA is on the minus strand); deleting any 4 consecutive bases within chrX:101,403,816-101,403,824 gives the same sequence; the c. name uses the placement nearest the transcript's 3' end. VCF-style (leftmost placement, unchanged base first): chrX-101403815-TTAGC-T. GRCh37 (hg19) VCF-style: chrX-100658803-TTAGC-T.
Other names: c.484_487del, p.Ala162fs (NM_001406747.1, NM_001406749.1); c.361_364del, p.Ala121fs (NM_001406748.1); c.301-8115_301-8112del (NM_001199973.2); c.178-8115_178-8112del (NM_001199974.2); short protein forms A121fs, A162fs.
Identifiers: ClinVar variation 195027 (VCV000195027.6), dbSNP rs797044670, ClinGen allele CA021664.

ClinVar aggregate classification (germline): Pathogenic. Review status: criteria provided, multiple submitters, no conflicts (2 of 4 stars). 2 submissions from 2 submitters: Pathogenic (2). Last evaluated 2026-09-08.

Conditions:
Fabry disease. Also called: ALPHA-GALACTOSIDASE A DEFICIENCY; ANDERSON-FABRY DISEASE; Fabry's disease; CERAMIDE TRIHEXOSIDASE DEFICIENCY; GLA DEFICIENCY; HEREDITARY DYSTOPIC LIPIDOSIS. Identifiers: Orphanet 324, MedGen C0002986, MONDO:0010526, OMIM 301500, HP:0001071. Disease mechanism: Fabry disease is due to inactivating mutations in the X-linked GLA gene resulting in deficiency of the enzyme Alpha Galactosidase-A., loss of function.

Submissions (2):

Genomenon, Inc
Classification: Pathogenic for Fabry disease. Last evaluated: 2026-09-08. Review status: criteria provided, single submitter. Criteria: Genomenon Sequence Variant Interpretation Standards - Updated. Collection method: curation. Allele origin: germline. Affected: yes.
Comment: GLA p.Ala121IlefsTer8 (c.361_364del) is a frameshift variant that is predicted to introduce a premature termination codon and result in a truncated or absent protein product. This variant has been observed in at least one proband with clinical features consistent with Fabry disease (PMID:33204599). Functional or patient cell studies have been reported (PMID:33204599). In conclusion, we classify GLA p.Ala121IlefsTer8 (c.361_364del) as a pathogenic variant.

Eurofins Ntd Llc (ga)
Classification: Pathogenic. Last evaluated: 2015-08-07. Review status: criteria provided, single submitter. Criteria: EGL Classification Definitions 2015. Collection method: clinical testing. Allele origin: germline. Observed: 5 variant alleles, 2 heterozygotes, 3 hemizygotes.

Literature cited by the submitters: PubMed 33204599 (cited by Genomenon, Inc).